The following is an entry in ClinVar:

ClinVar aggregate classification (germline): Uncertain significance. Review status: criteria provided, multiple submitters, no conflicts (2 of 4 stars). 3 submissions from 3 submitters: Uncertain significance (3). Last evaluated 2025-07-28.

Conditions:
Inborn genetic diseases. Identifiers: MedGen C0950123, MeSH D030342.

gnomAD v4.1: 6 of 1,606,732 alleles (0.00037%); highest among the groups gnomAD compares: Non-Finnish European, 0.00025%; no homozygotes.

Submissions (3):

GeneDx
Classification: Uncertain significance. Last evaluated: 2025-07-28. Review status: criteria provided, single submitter. Criteria: GeneDx Variant Classification Process June 2021. Collection method: clinical testing. Allele origin: germline. Affected: yes.
Comment: Not observed at significant frequency in large population cohorts (gnomAD); In silico analysis suggests that this missense variant does not alter protein structure/function; Has not been previously published as pathogenic or benign to our knowledge

Ambry Genetics
Classification: Uncertain significance for Inborn genetic diseases. Last evaluated: 2025-07-08. Review status: criteria provided, single submitter. Criteria: Ambry Variant Classification Scheme 2023. Collection method: clinical testing. Allele origin: germline.

Blueprint Genetics
Classification: Uncertain significance. Last evaluated: 2020-11-23. Review status: criteria provided, single submitter. Criteria: ACMG Guidelines, 2015. Collection method: clinical testing. Allele origin: germline.

NM_003672.4(CDC14A):c.1052G>A (p.Ser351Asn)

Gene: CDC14A (cell division cycle 14A; plus strand). Cytogenetic location: 1p21.2.
Variant type: single nucleotide variant.
Coding change: c.1052G>A on transcript NM_003672.4 (MANE Select); coding-DNA position 1052, G replaced by A.
Protein change: p.Ser351Asn; replaces serine 351 with asparagine.
Molecular consequence: missense variant.
Genome position (GRCh38, 1-based): chr1:100,484,366, G>A. VCF-style: chr1-100484366-G-A. GRCh37 (hg19) VCF-style: chr1-100949922-G-A.
Other names: c.1052G>A (NM_003672.3); c.1052G>A, p.Ser351Asn (NM_001319210.2, NM_033312.3, NM_033313.3); c.878G>A, p.Ser293Asn (NM_001319211.2); c.173G>A, p.Ser58Asn (NM_001319212.2); short protein forms S293N, S351N, S58N.
Identifiers: ClinVar variation 4223148 (VCV004223148.3).